The following is an entry in ClinVar:

NM_001369.3(DNAH5):c.6841+1G>A

Gene: DNAH5 (dynein axonemal heavy chain 5; minus strand). Cytogenetic location: 5p15.2.
Variant type: single nucleotide variant.
Coding change: c.6841+1G>A on transcript NM_001369.3 (MANE Select); the canonical splice donor site of the intron after coding-DNA position 6841, G replaced by A.
Molecular consequence: splice donor variant.
Genome position (GRCh38, 1-based): chr5:13,820,345, C>T on the plus strand (G>A on the coding strand, the complement: DNAH5 is on the minus strand). VCF-style: chr5-13820345-C-T. GRCh37 (hg19) VCF-style: chr5-13820454-C-T.
Other names: c.6841+1G>A (NM_001369.2).
Identifiers: ClinVar variation 1984485 (VCV001984485.5), dbSNP rs2151814082, ClinGen allele CA359194648.
Genomic context (GRCh38, chr5:13,820,345, plus strand): 5'-TCAAATGGGTCACCACTACTTAAATGGGCCACCCCAGGCATTGACCTTGGCTGCCCTGTA[C>T]CTGTCATGGCTCTCATCAAGGTGTGGATGCAGGTGGTCTTCCCAGCCCCACTGGGCCCCA-3'

ClinVar aggregate classification (germline): Likely pathogenic. Review status: criteria provided, multiple submitters, no conflicts (2 of 4 stars). 2 submissions from 2 submitters: Likely pathogenic (2). Last evaluated 2024-10-21.

Conditions:
Primary ciliary dyskinesia. Also called: Ciliary dyskinesia. Identifiers: Orphanet 244, MedGen C0008780, MONDO:0016575, HP:0012265.

Submissions (2):

Natera, Inc.
Classification: Likely pathogenic for Primary ciliary dyskinesia. Last evaluated: 2024-10-21. Review status: criteria provided, single submitter. Criteria: Natera Variant Classification Schema (03/2026). Collection method: clinical testing. Allele origin: germline.
Comment: The c.6841+1G>A variant in DNAH5 is a canonical splice donor site variant predicted to affect pre-mRNA splicing, which may result in an abnormal transcript and altered protein product. This variant is expected to result in nonsense mediated decay, truncation, or a dysfunctional protein product. This variant is rare in the general population with a frequency below the threshold expected for the associated phenotype(s). Given the available evidence, this variant is classified as Likely Pathogenic.

Labcorp Genetics (formerly Invitae), Labcorp
Classification: Likely pathogenic for Primary ciliary dyskinesia. Last evaluated: 2023-05-31. Review status: criteria provided, single submitter. Criteria: Invitae Variant Classification Sherloc (09022015). Collection method: clinical testing. Allele origin: germline.
Comment: This sequence change affects a donor splice site in intron 41 of the DNAH5 gene. It is expected to disrupt RNA splicing. Variants that disrupt the donor or acceptor splice site typically lead to a loss of protein function (PMID: 16199547), and loss-of-function variants in DNAH5 are known to be pathogenic (PMID: 11788826, 16627867). In summary, the currently available evidence indicates that the variant is pathogenic, but additional data are needed to prove that conclusively. Therefore, this variant has been classified as Likely Pathogenic. Algorithms developed to predict the effect of sequence changes on RNA splicing suggest that this variant may disrupt the consensus splice site. ClinVar contains an entry for this variant (Variation ID: 1984485). This variant has not been reported in the literature in individuals affected with DNAH5-related conditions. This variant is not present in population databases (gnomAD no frequency).

Literature cited by the submitters: PubMed 16199547 (cited by Labcorp Genetics (formerly Invitae), Labcorp); PubMed 11788826 (cited by Labcorp Genetics (formerly Invitae), Labcorp); PubMed 16627867 (cited by Labcorp Genetics (formerly Invitae), Labcorp).